The following is an entry in ClinVar:

NM_014055.4(IFT81):c.1511T>G (p.Leu504Arg)

Gene: IFT81 (intraflagellar transport 81; plus strand). Cytogenetic location: 12q24.11.
Variant type: single nucleotide variant.
Coding change: c.1511T>G on transcript NM_014055.4 (MANE Select); coding-DNA position 1511, T replaced by G.
Protein change: p.Leu504Arg; replaces leucine 504 with arginine.
Molecular consequence: missense variant. On other transcripts: non-coding transcript variant (4).
Genome position (GRCh38, 1-based): chr12:110,192,660, T>G. VCF-style: chr12-110192660-T-G. GRCh37 (hg19) VCF-style: chr12-110630465-T-G.
Other names: c.1511T>G, p.Leu504Arg (NM_001143779.2); c.581T>G, p.Leu194Arg (NM_001347947.2, NM_001347948.2); short protein forms L194R, L504R.
Identifiers: ClinVar variation 1944245 (VCV001944245.5), dbSNP rs917733452, ClinGen allele CA243930996.
Genomic context (GRCh38, chr12:110,192,660, plus strand): 5'-TTTTGTTCAAATAACAGGTGAAAAAACTGTATTCATTGGTATCTGAAAAGAAGTCAGCTC[T>G]TGCCTCAGTTATAAAAGAGCTACGACAGTTGCGTCAAAAATATCAAGTAAGTTTTTGATT-3'
Protein context (NP_054774.2, residues 494-514): YSLVSEKKSA[Leu504Arg]ASVIKELRQL

ClinVar aggregate classification (germline): Uncertain significance (1 of 4 stars; one submission).

Allele frequency attached by ClinVar (database versions not stated): gnomAD 0.00001; gnomAD exomes 0.00001; TOPMed 0.00001.
gnomAD v4.1: 5 of 1,592,692 alleles (0.00031%); highest among the groups gnomAD compares: Non-Finnish European, 0.00034%; no homozygotes.

Submission:

Labcorp Genetics (formerly Invitae), Labcorp
Classification: Uncertain significance. Last evaluated: 2022-07-23. Review status: criteria provided, single submitter. Criteria: Invitae Variant Classification Sherloc (09022015). Collection method: clinical testing. Allele origin: germline.
Comment: In summary, the available evidence is currently insufficient to determine the role of this variant in disease. Therefore, it has been classified as a Variant of Uncertain Significance. Algorithms developed to predict the effect of missense changes on protein structure and function are either unavailable or do not agree on the potential impact of this missense change (SIFT: "Deleterious"; PolyPhen-2: "Probably Damaging"; Align-GVGD: "Class C0"). This variant has not been reported in the literature in individuals affected with IFT81-related conditions. This variant is not present in population databases (gnomAD no frequency). This sequence change replaces leucine, which is neutral and non-polar, with arginine, which is basic and polar, at codon 504 of the IFT81 protein (p.Leu504Arg).